The following is an entry in ClinVar:

ClinVar aggregate classification (germline): Uncertain significance (1 of 4 stars; one submission).

Conditions:
Amyotrophic lateral sclerosis type 21. Also called: VOCAL CORD AND PHARYNGEAL DYSFUNCTION WITH DISTAL MYOPATHY; MYOPATHY, DISTAL, 2. Identifiers: Orphanet 600, Orphanet 803, MedGen C3807521, MONDO:0011632, OMIM 606070.

Allele frequency attached by ClinVar (database versions not stated): gnomAD exomes below 0.00001.
gnomAD v4.1: 1 of 1,611,478 alleles (0.000062%); highest among the groups gnomAD compares: Non-Finnish European, 0.000085%; no homozygotes.

Submission:

Labcorp Genetics (formerly Invitae), Labcorp
Classification: Uncertain significance for Amyotrophic lateral sclerosis type 21. Last evaluated: 2025-05-09. Review status: criteria provided, single submitter. Criteria: Invitae Variant Classification Sherloc (09022015). Collection method: clinical testing. Allele origin: germline.
Comment: This sequence change replaces asparagine, which is neutral and polar, with serine, which is neutral and polar, at codon 333 of the MATR3 protein (p.Asn333Ser). This variant is not present in population databases (gnomAD no frequency). This variant has not been reported in the literature in individuals affected with MATR3-related conditions. ClinVar contains an entry for this variant (Variation ID: 3014283). Invitae Evidence Modeling of protein sequence and biophysical properties (such as structural, functional, and spatial information, amino acid conservation, physicochemical variation, residue mobility, and thermodynamic stability) indicates that this missense variant is not expected to disrupt MATR3 protein function with a negative predictive value of 80%. In summary, the available evidence is currently insufficient to determine the role of this variant in disease. Therefore, it has been classified as a Variant of Uncertain Significance.

NM_018834.6(MATR3):c.998A>G (p.Asn333Ser)

Gene: MATR3 (matrin 3; plus strand). Cytogenetic location: 5q31.2.
Variant type: single nucleotide variant.
Coding change: c.998A>G on transcript NM_018834.6 (MANE Select); coding-DNA position 998, A replaced by G.
Protein change: p.Asn333Ser; replaces asparagine 333 with serine.
Molecular consequence: missense variant. On other transcripts: 5 prime UTR variant (8).
Genome position (GRCh38, 1-based): chr5:139,315,720, A>G. VCF-style: chr5-139315720-A-G. GRCh37 (hg19) VCF-style: chr5-138651409-A-G.
Other names: c.998A>G, p.Asn333Ser (NM_001194954.2, NM_001194955.2, NM_001400441.1 and 16 more transcripts); c.134A>G, p.Asn45Ser (NM_001194956.2); c.-17A>G (NM_001282278.2, NM_001400460.1, NM_001400462.1 and 5 more transcripts); c.137A>G, p.Asn46Ser (NM_001400459.1); c.98A>G, p.Asn33Ser (NM_001400461.1); short protein forms N333S, N33S, N46S, N45S.
Identifiers: ClinVar variation 3014283 (VCV003014283.3), dbSNP rs1347183432, ClinGen allele CA361138515.